The following is an entry in ClinVar:

NM_014806.5(RUSC2):c.1388C>T (p.Ser463Phe)

Gene: RUSC2 (RUN and SH3 domain containing 2; plus strand). Cytogenetic location: 9p13.3.
Variant type: single nucleotide variant.
Coding change: c.1388C>T on transcript NM_014806.5 (MANE Select); coding-DNA position 1388, C replaced by T.
Protein change: p.Ser463Phe; replaces serine 463 with phenylalanine.
Molecular consequence: missense variant. On other transcripts: non-coding transcript variant (1), intron variant (1).
Genome position (GRCh38, 1-based): chr9:35,547,909, C>T. VCF-style: chr9-35547909-C-T. GRCh37 (hg19) VCF-style: chr9-35547906-C-T.
Other names: c.1388C>T, p.Ser463Phe (NM_001135999.2); c.-620-7151C>T (NM_001330740.2); short protein forms S463F.
Identifiers: ClinVar variation 1513638 (VCV001513638.6), dbSNP rs2132554036, ClinGen allele CA373332892.

ClinVar aggregate classification (germline): Uncertain significance (1 of 4 stars; one submission).

Allele frequency attached by ClinVar (database versions not stated): gnomAD exomes below 0.00001.
gnomAD v4.1: 2 of 1,614,248 alleles (0.00012%); highest among the groups gnomAD compares: Non-Finnish European, 0.00017%; no homozygotes.

Submission:

Labcorp Genetics (formerly Invitae), Labcorp
Classification: Uncertain significance. Last evaluated: 2023-08-09. Review status: criteria provided, single submitter. Criteria: Invitae Variant Classification Sherloc (09022015). Collection method: clinical testing. Allele origin: germline.
Comment: This sequence change replaces serine, which is neutral and polar, with phenylalanine, which is neutral and non-polar, at codon 463 of the RUSC2 protein (p.Ser463Phe). This variant is not present in population databases (gnomAD no frequency). This variant has not been reported in the literature in individuals affected with RUSC2-related conditions. ClinVar contains an entry for this variant (Variation ID: 1513638). Algorithms developed to predict the effect of missense changes on protein structure and function output the following: SIFT: "Not Available"; PolyPhen-2: "Benign"; Align-GVGD: "Not Available". The phenylalanine amino acid residue is found in multiple mammalian species, which suggests that this missense change does not adversely affect protein function. In summary, the available evidence is currently insufficient to determine the role of this variant in disease. Therefore, it has been classified as a Variant of Uncertain Significance.